The following is an entry in ClinVar:

ClinVar aggregate classification (germline): Uncertain significance (1 of 4 stars; one submission).

Allele frequency attached by ClinVar (database versions not stated): TOPMed below 0.00001.

Submission:

Labcorp Genetics (formerly Invitae), Labcorp
Classification: Uncertain significance. Last evaluated: 2022-11-22. Review status: criteria provided, single submitter. Criteria: Invitae Variant Classification Sherloc (09022015). Collection method: clinical testing. Allele origin: germline.
Comment: This variant has not been reported in the literature in individuals affected with TAF2-related conditions. This sequence change replaces methionine, which is neutral and non-polar, with isoleucine, which is neutral and non-polar, at codon 229 of the TAF2 protein (p.Met229Ile). This variant is not present in population databases (gnomAD no frequency). ClinVar contains an entry for this variant (Variation ID: 1462770). Advanced modeling of protein sequence and biophysical properties (such as structural, functional, and spatial information, amino acid conservation, physicochemical variation, residue mobility, and thermodynamic stability) performed at Invitae indicates that this missense variant is not expected to disrupt TAF2 protein function. In summary, the available evidence is currently insufficient to determine the role of this variant in disease. Therefore, it has been classified as a Variant of Uncertain Significance.

NM_003184.4(TAF2):c.687G>A (p.Met229Ile)

Gene: TAF2 (TATA-box binding protein associated factor 2; minus strand). Cytogenetic location: 8q24.12.
Variant type: single nucleotide variant.
Coding change: c.687G>A on transcript NM_003184.4 (MANE Select); coding-DNA position 687, G replaced by A.
Protein change: p.Met229Ile; replaces methionine 229 with isoleucine.
Molecular consequence: missense variant.
Genome position (GRCh38, 1-based): chr8:119,801,899, C>T on the plus strand (G>A on the coding strand, the complement: TAF2 is on the minus strand). VCF-style: chr8-119801899-C-T. GRCh37 (hg19) VCF-style: chr8-120814139-C-T.
Other names: short protein forms M229I.
Identifiers: ClinVar variation 1462770 (VCV001462770.6), dbSNP rs1824292395, ClinGen allele CA371892067.